The following is an entry in ClinVar:

ClinVar aggregate classification (germline): Uncertain significance (1 of 4 stars; one submission).

Conditions:
Gastrointestinal stromal tumor. Also called: Gastrointestinal stromal tumor, somatic; Gastrointestinal stroma tumor. Identifiers: Orphanet 44890, MedGen C0238198, MeSH D046152, MONDO:0011719, OMIM 606764, HP:0100723.

Submission:

Labcorp Genetics (formerly Invitae), Labcorp
Classification: Uncertain significance for Gastrointestinal stromal tumor. Last evaluated: 2022-03-07. Review status: criteria provided, single submitter. Criteria: Invitae Variant Classification Sherloc (09022015). Collection method: clinical testing. Allele origin: germline.
Comment: Algorithms developed to predict the effect of missense changes on protein structure and function output the following: SIFT: "Tolerated"; PolyPhen-2: "Benign"; Align-GVGD: "Class C0". The glutamic acid amino acid residue is found in multiple mammalian species, which suggests that this missense change does not adversely affect protein function. In summary, the available evidence is currently insufficient to determine the role of this variant in disease. Therefore, it has been classified as a Variant of Uncertain Significance. This variant has not been reported in the literature in individuals affected with KIT-related conditions. This variant is not present in population databases (gnomAD no frequency). This sequence change replaces lysine, which is basic and polar, with glutamic acid, which is acidic and polar, at codon 218 of the KIT protein (p.Lys218Glu).

NM_000222.3(KIT):c.652A>G (p.Lys218Glu)

Gene: KIT (KIT proto-oncogene, receptor tyrosine kinase; plus strand). Cytogenetic location: 4q12.
Variant type: single nucleotide variant.
Coding change: c.652A>G on transcript NM_000222.3 (MANE Select); coding-DNA position 652, A replaced by G.
Protein change: p.Lys218Glu; replaces lysine 218 with glutamic acid.
Molecular consequence: missense variant.
Genome position (GRCh38, 1-based): chr4:54,699,662, A>G. VCF-style: chr4-54699662-A-G. GRCh37 (hg19) VCF-style: chr4-55565828-A-G.
Other names: c.652A>G, p.Lys218Glu (NM_001093772.2, NM_001385284.1, NM_001385285.1 and 4 more transcripts); short protein forms K218E.
Identifiers: ClinVar variation 1502853 (VCV001502853.8), dbSNP rs2109679032, ClinGen allele CA356898207.